The following is an entry in ClinVar:

ClinVar aggregate classification (germline): Uncertain significance (1 of 4 stars; one submission).

Submission:

Labcorp Genetics (formerly Invitae), Labcorp
Classification: Uncertain significance. Last evaluated: 2021-08-02. Review status: criteria provided, single submitter. Criteria: Invitae Variant Classification Sherloc (09022015). Collection method: clinical testing. Allele origin: germline.
Comment: In summary, the available evidence is currently insufficient to determine the role of this variant in disease. Therefore, it has been classified as a Variant of Uncertain Significance. Algorithms developed to predict the effect of missense changes on protein structure and function are either unavailable or do not agree on the potential impact of this missense change (SIFT: "Deleterious"; PolyPhen-2: "Possibly Damaging"; Align-GVGD: "Class C0"). This variant has not been reported in the literature in individuals affected with OCA2-related conditions. This variant is not present in population databases (ExAC no frequency). This sequence change replaces valine with isoleucine at codon 545 of the OCA2 protein (p.Val545Ile). The valine residue is highly conserved and there is a small physicochemical difference between valine and isoleucine.

NM_000275.3(OCA2):c.1633G>A (p.Val545Ile)

Gene: OCA2 (OCA2 melanosomal transmembrane protein; minus strand). Cytogenetic location: 15q13.1.
Variant type: single nucleotide variant.
Coding change: c.1633G>A on transcript NM_000275.3 (MANE Select); coding-DNA position 1633, G replaced by A.
Protein change: p.Val545Ile; replaces valine 545 with isoleucine.
Molecular consequence: missense variant.
Genome position (GRCh38, 1-based): chr15:27,966,693, C>T on the plus strand (G>A on the coding strand, the complement: OCA2 is on the minus strand). VCF-style: chr15-27966693-C-T. GRCh37 (hg19) VCF-style: chr15-28211839-C-T.
Other names: c.1561G>A, p.Val521Ile (NM_001300984.2); short protein forms V545I, V521I.
Identifiers: ClinVar variation 1495203 (VCV001495203.6), dbSNP rs1381951592, ClinGen allele CA391356951.